The following is an entry in ClinVar:

NM_001110556.2(FLNA):c.7840T>C (p.Tyr2614His)

Genes: FLNA (filamin A; minus strand), LOC107988032 (Xq28 proximal FLNA-EMD recombination region; plus strand). Cytogenetic location: Xq28.
Variant type: single nucleotide variant.
Coding change: c.7840T>C on transcript NM_001110556.2 (MANE Select); coding-DNA position 7840, T replaced by C.
Protein change: p.Tyr2614His; replaces tyrosine 2614 with histidine.
Molecular consequence: missense variant.
Genome position (GRCh38, 1-based): chrX:154,348,953, A>G on the plus strand (T>C on the coding strand, the complement: FLNA is on the minus strand). VCF-style: chrX-154348953-A-G. GRCh37 (hg19) VCF-style: chrX-153577321-A-G.
Other names: c.7816T>C, p.Tyr2606His (NM_001456.4); short protein forms Y2606H, Y2614H.
Identifiers: ClinVar variation 4536183 (VCV004536183.2).

ClinVar aggregate classification (germline): Uncertain significance. Review status: criteria provided, multiple submitters, no conflicts (2 of 4 stars). 2 submissions from 2 submitters: Uncertain significance (2). Last evaluated 2025-07-21.

Conditions:
Heterotopia, periventricular, X-linked dominant (PVNH1). Also called: PERIVENTRICULAR NODULAR HETEROTOPIA 1; X-linked periventricular heterotopia; PERIVENTRICULAR NODULAR HETEROTOPIA 4; HETEROTOPIA, PERIVENTRICULAR, 1. Identifiers: Orphanet 2149, Orphanet 82004, MedGen C1848213, MONDO:0010233, OMIM 300049.
Oto-palato-digital syndrome, type II (OPD2). Also called: FACIOPALATOOSSEOUS SYNDROME; OPD II SYNDROME; Otopalatodigital Syndrome, Type II; Otopalatodigital Syndrome Type 2 (FLNA-OPD2). Identifiers: Orphanet 669, Orphanet 90652, MedGen C1844696, MONDO:0010571, OMIM 304120.
Frontometaphyseal dysplasia (FMD1). Identifiers: Orphanet 1826, MedGen C0265293, MONDO:0015942.
Melnick-Needles syndrome (MNS). Also called: MELNICK-NEEDLES OSTEODYSPLASTY; OSTEODYSPLASTY OF MELNICK AND NEEDLES; Melnick-Needles Syndrome (FLNA-MNS). Identifiers: Orphanet 2484, MedGen C0025237, MONDO:0010650, OMIM 309350.

Submissions (2):

Labcorp Genetics (formerly Invitae), Labcorp
Classification: Uncertain significance for Oto-palato-digital syndrome, type II; Heterotopia, periventricular, X-linked dominant; Frontometaphyseal dysplasia; Melnick-Needles syndrome. Last evaluated: 2025-07-21. Review status: criteria provided, single submitter. Criteria: Invitae Variant Classification Sherloc (09022015). Collection method: clinical testing. Allele origin: germline.
Comment: This sequence change replaces tyrosine, which is neutral and polar, with histidine, which is basic and polar, at codon 2606 of the FLNA protein (p.Tyr2606His). This variant is not present in population databases (gnomAD no frequency). This variant has not been reported in the literature in individuals affected with FLNA-related conditions. Invitae Evidence Modeling of protein sequence and biophysical properties (such as structural, functional, and spatial information, amino acid conservation, physicochemical variation, residue mobility, and thermodynamic stability) indicates that this missense variant is not expected to disrupt FLNA protein function with a negative predictive value of 95%. In summary, the available evidence is currently insufficient to determine the role of this variant in disease. Therefore, it has been classified as a Variant of Uncertain Significance.

GeneDx
Classification: Uncertain significance. Last evaluated: 2025-06-04. Review status: criteria provided, single submitter. Criteria: GeneDx Variant Classification Process June 2021. Collection method: clinical testing. Allele origin: germline. Affected: yes.
Comment: Not observed at significant frequency in large population cohorts (gnomAD); In silico analysis supports that this missense variant has a deleterious effect on protein structure/function; Has not been previously published as pathogenic or benign to our knowledge